The following is an entry in ClinVar:

ClinVar aggregate classification (germline): Uncertain significance. Review status: criteria provided, multiple submitters, no conflicts (2 of 4 stars). 2 submissions from 2 submitters: Uncertain significance (2). Last evaluated 2025-12-14.

Conditions:
Long QT syndrome (LQTS). Identifiers: MedGen C0023976, MeSH D008133, MONDO:0002442. Disease mechanism: loss of function. Inheritance: Various modes of inheritance.
Cardiovascular phenotype. Identifiers: MedGen CN230736.

Allele frequency attached by ClinVar (database versions not stated): gnomAD 0.00001; TOPMed 0.00001.
gnomAD v4.1: 2 of 1,605,640 alleles (0.00012%); highest among the groups gnomAD compares: African/African-American, 0.0027%; no homozygotes.

Submissions (2):

Labcorp Genetics (formerly Invitae), Labcorp
Classification: Uncertain significance for Long QT syndrome. Last evaluated: 2025-12-14. Review status: criteria provided, single submitter. Criteria: Invitae Variant Classification Sherloc (09022015). Collection method: clinical testing. Allele origin: germline.
Comment: This sequence change replaces asparagine, which is neutral and polar, with aspartic acid, which is acidic and polar, at codon 2321 of the AKAP9 protein (p.Asn2321Asp). This variant is not present in population databases (gnomAD no frequency). This variant has not been reported in the literature in individuals affected with AKAP9-related conditions. ClinVar contains an entry for this variant (Variation ID: 1366586). An algorithm developed to predict the effect of missense changes on protein structure and function outputs the following: PolyPhen-2: "Possibly Damaging". The aspartic acid amino acid residue is found in multiple mammalian species, which suggests that this missense change does not adversely affect protein function. In summary, the available evidence is currently insufficient to determine the role of this variant in disease. Therefore, it has been classified as a Variant of Uncertain Significance.

Ambry Genetics
Classification: Uncertain significance for Cardiovascular phenotype. Last evaluated: 2025-08-20. Review status: criteria provided, single submitter. Criteria: Ambry Variant Classification Scheme 2023. Collection method: clinical testing. Allele origin: germline.
Comment: The p.N2321D variant (also known as c.6961A>G), located in coding exon 31 of the AKAP9 gene, results from an A to G substitution at nucleotide position 6961. The asparagine at codon 2321 is replaced by aspartic acid, an amino acid with highly similar properties. This amino acid position is conserved. In addition, this alteration is predicted to be tolerated by in silico analysis. Based on the available evidence, the clinical significance of this variant remains unclear.

NM_005751.5(AKAP9):c.6961A>G (p.Asn2321Asp)

Gene: AKAP9 (A-kinase anchoring protein 9; plus strand). Cytogenetic location: 7q21.2.
Variant type: single nucleotide variant.
Coding change: c.6961A>G on transcript NM_005751.5 (MANE Select); coding-DNA position 6961, A replaced by G.
Protein change: p.Asn2321Asp; replaces asparagine 2321 with aspartic acid.
Molecular consequence: missense variant.
Genome position (GRCh38, 1-based): chr7:92,079,094, A>G. VCF-style: chr7-92079094-A-G. GRCh37 (hg19) VCF-style: chr7-91708408-A-G.
Other names: c.6961A>G (NM_005751.4); c.1606A>G, p.Asn536Asp (NM_001379277.1); c.6937A>G, p.Asn2313Asp (NM_147185.3); short protein forms N2313D, N536D, N2321D.
Identifiers: ClinVar variation 1366586 (VCV001366586.9), dbSNP rs1290288696, ClinGen allele CA368134647.